The following is an entry in ClinVar:

NM_001256715.2(DNAAF3):c.491G>T (p.Arg164Leu)

Genes: DNAAF3 (dynein axonemal assembly factor 3; minus strand), DNAAF3-AS1 (DNAAF3 antisense RNA 1; plus strand). Cytogenetic location: 19q13.42.
Variant type: single nucleotide variant.
Coding change: c.491G>T on transcript NM_001256715.2 (MANE Select); coding-DNA position 491, G replaced by T.
Protein change: p.Arg164Leu; replaces arginine 164 with leucine.
Molecular consequence: missense variant.
Genome position (GRCh38, 1-based): chr19:55,161,815, C>A on the plus strand (G>T on the coding strand, the complement: DNAAF3 is on the minus strand). VCF-style: chr19-55161815-C-A. GRCh37 (hg19) VCF-style: chr19-55673183-C-A.
Other names: c.695G>T, p.Arg232Leu (NM_001256714.1); c.329G>T, p.Arg110Leu (NM_001256716.2); c.632G>T, p.Arg211Leu (NM_178837.4); short protein forms R110L, R164L, R211L, R232L.
Identifiers: ClinVar variation 998631 (VCV000998631.9), dbSNP rs771839338, ClinGen allele CA407456125.

ClinVar aggregate classification (germline): Uncertain significance (1 of 4 stars; one submission).

Conditions:
Primary ciliary dyskinesia. Also called: Ciliary dyskinesia. Identifiers: Orphanet 244, MedGen C0008780, MONDO:0016575, HP:0012265.

Submission:

Labcorp Genetics (formerly Invitae), Labcorp
Classification: Uncertain significance for Primary ciliary dyskinesia. Last evaluated: 2024-02-17. Review status: criteria provided, single submitter. Criteria: Invitae Variant Classification Sherloc (09022015). Collection method: clinical testing. Allele origin: germline.
Comment: This sequence change replaces arginine, which is basic and polar, with leucine, which is neutral and non-polar, at codon 232 of the DNAAF3 protein (p.Arg232Leu). This variant is not present in population databases (gnomAD no frequency). This variant has not been reported in the literature in individuals affected with DNAAF3-related conditions. ClinVar contains an entry for this variant (Variation ID: 998631). Advanced modeling of protein sequence and biophysical properties (such as structural, functional, and spatial information, amino acid conservation, physicochemical variation, residue mobility, and thermodynamic stability) performed at Invitae indicates that this missense variant is not expected to disrupt DNAAF3 protein function with a negative predictive value of 80%. In summary, the available evidence is currently insufficient to determine the role of this variant in disease. Therefore, it has been classified as a Variant of Uncertain Significance.